The following is an entry in ClinVar:

NM_000530.8(MPZ):c.1A>G (p.Met1Val)

Gene: MPZ (myelin protein zero; minus strand). Cytogenetic location: 1q23.3.
Variant type: single nucleotide variant.
Coding change: c.1A>G on transcript NM_000530.8 (MANE Select); coding-DNA position 1, A replaced by G.
Protein change: p.Met1Val; changes the start codon (methionine 1).
Molecular consequence: missense variant, initiator codon variant.
Genome position (GRCh38, 1-based): chr1:161,309,905, T>C on the plus strand (A>G on the coding strand, the complement: MPZ is on the minus strand). VCF-style: chr1-161309905-T-C. GRCh37 (hg19) VCF-style: chr1-161279695-T-C.
Other names: c.1A>G (LRG_256t1); c.1A>G, p.Met1Val (NM_001315491.2); short protein forms M1V.
Identifiers: ClinVar variation 637506 (VCV000637506.13), dbSNP rs1427063795, ClinGen allele CA343353400.

ClinVar aggregate classification (germline): Pathogenic. Review status: criteria provided, multiple submitters, no conflicts (2 of 4 stars). 3 submissions from 3 submitters: Pathogenic (2). 1 of the submissions does not count toward it. Last evaluated 2024-05-07.

Conditions:
Charcot-Marie-Tooth disease. Also called: Charcot-Marie-Tooth Hereditary Neuropathy; Charcot-Marie-Tooth Neuropathy. Identifiers: Orphanet 166, MedGen C0007959, MONDO:0015626.
Charcot-Marie-Tooth disease, type I (CMT1). Also called: Charcot-Marie-Tooth disease type 1; Charcot-Marie-Tooth, Type 1. Identifiers: Orphanet 65753, MedGen C0751036, MONDO:0019011.

Allele frequency attached by ClinVar (database versions not stated): gnomAD exomes below 0.00001; gnomAD 0.00001.

Submissions (3):

GeneDx
Classification: Pathogenic. Last evaluated: 2024-05-07. Review status: criteria provided, single submitter. Criteria: GeneDx Variant Classification Process June 2021. Collection method: clinical testing. Allele origin: germline. Affected: yes.
Comment: Not observed at significant frequency in large population cohorts (gnomAD); Initiation codon variant in a gene for which loss of function is a known mechanism of disease; This variant is associated with the following publications: (PMID: 25614874, 37273706)

Labcorp Genetics (formerly Invitae), Labcorp
Classification: Pathogenic for Charcot-Marie-Tooth disease, type I. Last evaluated: 2023-07-14. Review status: criteria provided, single submitter. Criteria: Invitae Variant Classification Sherloc (09022015). Collection method: clinical testing. Allele origin: germline.
Comment: For these reasons, this variant has been classified as Pathogenic. This variant disrupts a region of the MPZ protein in which other variant(s) (p.Ile30Thr) have been determined to be pathogenic (PMID: 17143884, 20461396). This suggests that this is a clinically significant region of the protein, and that variants that disrupt it are likely to be disease-causing. ClinVar contains an entry for this variant (Variation ID: 637506). Disruption of the initiator codon has been observed in individual(s) with clinical features of Charcot-Marie-Tooth disease (PMID: 25614874; Invitae). This variant is not present in population databases (gnomAD no frequency). This sequence change affects the initiator methionine of the MPZ mRNA. The next in-frame methionine is located at codon 197.

Inherited Neuropathy Consortium
Classification: Pathogenic for Charcot-Marie-Tooth disease. Review status: no assertion criteria provided. Collection method: literature only. Allele origin: germline. Affected: yes. Not counted in ClinVar's aggregate classification.

Literature cited by the submitters: PubMed 17143884 (cited by Labcorp Genetics (formerly Invitae), Labcorp); PubMed 20461396 (cited by Labcorp Genetics (formerly Invitae), Labcorp); PubMed 25614874 (cited by Labcorp Genetics (formerly Invitae), Labcorp and Inherited Neuropathy Consortium).